The following continues an entry in ClinVar:

NM_000092.5(COL4A4):c.4715C>T (p.Pro1572Leu)

Gene: COL4A4. ClinVar aggregate classification (germline): Conflicting classifications of pathogenicity. Likely pathogenic (1); Uncertain significance (9); Likely benign (2).

Submissions 13 to 15 of 15:

PreventionGenetics, part of Exact Sciences
Classification: Uncertain significance for COL4A4-related condition. Last evaluated: 2024-08-23. Review status: no assertion criteria provided. Collection method: clinical testing. Allele origin: germline. Not counted in ClinVar's aggregate classification.
Comment: The COL4A4 c.4715C>T variant is predicted to result in the amino acid substitution p.Pro1572Leu. This variant has been reported in the heterozygous state in individuals with suspected autosomal recessive Alport syndrome, although a second COL4A4 variant was not detected (Boye et al. 1998. PubMed ID: 9792860; Supplementary Table S1, De La Vega et al. 2021. PubMed ID: 34645491; Zhang et al. 2021. PubMed ID: 33772369). This variant has also been noted as paternally inherited in a compound heterozygote state in a patient with mesangial proliferative nephropathy (Lin et al. 2014. PubMed ID: 25381091) and in a heterozygous state in patients with IgA neuropathy and collagen III glomerulopathy (Liu et al. 2023. PubMed ID: 36370330; Table S5, Table S7, Yuan et al. 2022. PubMed ID: 36130833). This variant was also paternally inherited in an individual with anemia, nephritis, hepatitis, and recurrent gastroenteritis, but a second COL4A4 variant was not detected and phenotype information of the father was not available (Table S2, Table S15, Clark et al. 2019. PubMed ID: 31019026). Digenic inheritance and predisposition factors have been suggested for the combination of this variant with other genes because the variant has been noted in a patient with Alport syndrome who also carried a COL4A5 variant (Supplementary Table 1, Zhou et al. 2023. PubMed ID: 37097554), in a patient with concurrent IgA neuropathy and thin basement membrane nephropathy who also carried NPHS2 and ITGB4 variants (Xu et al. 2022. PubMed ID: 36349777), and a similar COL4A4 variant (p.Pro1569Leu) was noted in a patient who also carried a COL6A1 variant (Supplementary Table 1, Pan et al. 2020. PubMed ID: 32154576). The c.4715C>T variant is reported in 0.14% of alleles in individuals of East Asian descent in gnomAD, suggesting the variant may be too common for autosomal dominant disease. Although we suspect that the c.4715C>T variant may contribute to autosomal recessive COL4A4 disorders, at this time, the clinical significance of this variant is uncertain due to the absence of conclusive functional and genetic evidence.

OMIM
Classification: Pathogenic for ALPORT SYNDROME 2, AUTOSOMAL RECESSIVE. Last evaluated: 1998-11-01. Review status: flagged submission. Collection method: literature only. Allele origin: germline. Not counted in ClinVar's aggregate classification.
ClinVar note: Reason: Outlier claim with insufficient supporting evidence

Rady Children's Institute for Genomic Medicine, Rady Children's Hospital San Diego
Classification: Likely pathogenic for Alport syndrome. Review status: flagged submission. Criteria: ACMG Guidelines, 2015. Collection method: research. Allele origin: germline. Not counted in ClinVar's aggregate classification.
ClinVar note: Reason: Outlier claim with insufficient supporting evidence

Literature cited by the submitters: PubMed 33772369 (cited by 4 submitters); PubMed 9792860 (cited by 7 submitters); PubMed 37097554 (cited by Women's Health and Genetics/Laboratory Corporation of America, LabCorp and Victorian Clinical Genetics Services, Murdoch Childrens Research Institute); PubMed 36130833 (cited by Women's Health and Genetics/Laboratory Corporation of America, LabCorp and Ambry Genetics); PubMed 31019026 (cited by 3 submitters); PubMed 32154576 (cited by Dasa); PubMed 22887978 (cited by 3 submitters); PubMed 35114279 (cited by Dasa and Victorian Clinical Genetics Services, Murdoch Childrens Research Institute); PubMed 36349777 (cited by Dasa and Victorian Clinical Genetics Services, Murdoch Childrens Research Institute); PubMed 12028435 (cited by Victorian Clinical Genetics Services, Murdoch Childrens Research Institute); PubMed 16467446 (cited by Victorian Clinical Genetics Services, Murdoch Childrens Research Institute); PubMed 17942953 (cited by Victorian Clinical Genetics Services, Murdoch Childrens Research Institute); PubMed 24046192 (cited by Victorian Clinical Genetics Services, Murdoch Childrens Research Institute); PubMed 25381091 (cited by 3 submitters); PubMed 28704582 (cited by Victorian Clinical Genetics Services, Murdoch Childrens Research Institute); PubMed 28976722 (cited by Victorian Clinical Genetics Services, Murdoch Childrens Research Institute and Ambry Genetics); PubMed 31246743 (cited by Victorian Clinical Genetics Services, Murdoch Childrens Research Institute); PubMed 31589614 (cited by Victorian Clinical Genetics Services, Murdoch Childrens Research Institute); PubMed 36370330 (cited by Victorian Clinical Genetics Services, Murdoch Childrens Research Institute); PubMed 37147621 (cited by Victorian Clinical Genetics Services, Murdoch Childrens Research Institute).